The following is an entry in ClinVar:

NM_001242882.2(NAXD):c.278C>T (p.Ala93Val)

Gene: NAXD (NAD(P)HX dehydratase; plus strand). Cytogenetic location: 13q34.
Variant type: single nucleotide variant.
Coding change: c.278C>T on transcript NM_001242882.2 (MANE Select); coding-DNA position 278, C replaced by T.
Protein change: p.Ala93Val; replaces alanine 93 with valine.
Molecular consequence: missense variant. On other transcripts: non-coding transcript variant (1), intron variant (1).
Genome position (GRCh38, 1-based): chr13:110,625,224, C>T. VCF-style: chr13-110625224-C-T. GRCh37 (hg19) VCF-style: chr13-111277571-C-T.
Other names: c.332C>T, p.Ala111Val (NM_001242881.2, NM_018210.4); c.57-2215C>T (NM_001242883.2); short protein forms A111V, A93V.
Identifiers: ClinVar variation 1380023 (VCV001380023.5), dbSNP rs760064591, ClinGen allele CA7051125.
Genomic context (GRCh38, chr13:110,625,224, plus strand): 5'-GTCGGCCTCTTGTGCTCCTTCATCAGGGCGCAGACTTGTCCCACGTGTTCTGTGCCAGTG[C>T]GGCCGCACCTGTGATTAAGGCCTACAGCCCGGAGCTGATCGTCCACCCAGTTCTGTGAGT-3'
Protein context (NP_001229811.1, residues 83-103): ADLSHVFCAS[Ala93Val]AAPVIKAYSP

ClinVar aggregate classification (germline): Uncertain significance (1 of 4 stars; one submission).

Allele frequency attached by ClinVar (database versions not stated): TOPMed 0.00003; gnomAD exomes 0.00005; ExAC 0.00006; gnomAD 0.00006.
gnomAD v4.1: 66 of 1,613,736 alleles (0.0041%); highest among the groups gnomAD compares: Middle Eastern, 0.016%; no homozygotes.

Submission:

Labcorp Genetics (formerly Invitae), Labcorp
Classification: Uncertain significance. Last evaluated: 2024-10-24. Review status: criteria provided, single submitter. Criteria: Invitae Variant Classification Sherloc (09022015). Collection method: clinical testing. Allele origin: germline.
Comment: This sequence change replaces alanine, which is neutral and non-polar, with valine, which is neutral and non-polar, at codon 111 of the NAXD protein (p.Ala111Val). This variant is present in population databases (rs760064591, gnomAD 0.01%). This variant has not been reported in the literature in individuals affected with NAXD-related conditions. ClinVar contains an entry for this variant (Variation ID: 1380023). Invitae Evidence Modeling of protein sequence and biophysical properties (such as structural, functional, and spatial information, amino acid conservation, physicochemical variation, residue mobility, and thermodynamic stability) indicates that this missense variant is not expected to disrupt NAXD protein function with a negative predictive value of 80%. In summary, the available evidence is currently insufficient to determine the role of this variant in disease. Therefore, it has been classified as a Variant of Uncertain Significance.